The following is an entry in ClinVar:

ClinVar aggregate classification (germline): Likely benign. Review status: criteria provided, single submitter (1 of 4 stars). 2 submissions from 2 submitters: Likely benign (1). 1 of the submissions does not count toward it. Last evaluated 2024-04-09.

Conditions:
CUBN-related disorder. Also called: CUBN-related condition.

Allele frequency attached by ClinVar (database versions not stated): gnomAD 0.00005; 1000 Genomes Project 30x 0.00016; 1000 Genomes Project 0.00020.
gnomAD v4.1: 103 of 1,613,094 alleles (0.0064%); highest among the groups gnomAD compares: South Asian, 0.11%; no homozygotes.

Submissions (2):

Blueprint Genetics
Classification: Likely benign. Last evaluated: 2024-04-09. Review status: criteria provided, single submitter. Criteria: ACMG Guidelines, 2015. Collection method: clinical testing. Allele origin: germline.

PreventionGenetics, part of Exact Sciences
Classification: Likely benign for CUBN-related condition. Last evaluated: 2022-10-24. Review status: no assertion criteria provided. Collection method: clinical testing. Allele origin: germline. Not counted in ClinVar's aggregate classification.
Comment: This variant is classified as likely benign based on ACMG/AMP sequence variant interpretation guidelines (Richards et al. 2015 PMID: 25741868, with internal and published modifications).

NM_001081.4(CUBN):c.2349C>T (p.Thr783=)

Gene: CUBN (cubilin; minus strand). Cytogenetic location: 10p13.
Variant type: single nucleotide variant.
Coding change: c.2349C>T on transcript NM_001081.4 (MANE Select); coding-DNA position 2349, C replaced by T.
Protein change: p.Thr783=; no amino-acid change (threonine 783 retained).
Molecular consequence: synonymous variant.
Genome position (GRCh38, 1-based): chr10:17,071,924, G>A on the plus strand (C>T on the coding strand, the complement: CUBN is on the minus strand). VCF-style: chr10-17071924-G-A. GRCh37 (hg19) VCF-style: chr10-17113923-G-A.
Identifiers: ClinVar variation 3043882 (VCV003043882.3), dbSNP rs373735221, ClinGen allele CA5425004.